The following is an entry in ClinVar:

NM_024407.5(NDUFS7):c.73G>C (p.Val25Leu)

Gene: NDUFS7 (NADH:ubiquinone oxidoreductase core subunit S7; plus strand). Cytogenetic location: 19p13.3.
Variant type: single nucleotide variant.
Coding change: c.73G>C on transcript NM_024407.5 (MANE Select); coding-DNA position 73, G replaced by C.
Protein change: p.Val25Leu; replaces valine 25 with leucine.
Molecular consequence: missense variant.
Genome position (GRCh38, 1-based): chr19:1,388,544, G>C. VCF-style: chr19-1388544-G-C. GRCh37 (hg19) VCF-style: chr19-1388543-G-C.
Other names: c.73G>C, p.Val25Leu (NM_001363602.2); short protein forms V25L.
Identifiers: ClinVar variation 1723780 (VCV001723780.3), dbSNP rs374974809, ClinGen allele CA9043061.

ClinVar aggregate classification (germline): Uncertain significance (1 of 4 stars; one submission).

Allele frequency attached by ClinVar (database versions not stated): gnomAD exomes below 0.00001; gnomAD 0.00003; ExAC 0.00004; TOPMed 0.00006; ESP Exome Variant Server 0.00015.
gnomAD v4.1: 7 of 1,611,516 alleles (0.00043%); highest among the groups gnomAD compares: African/African-American, 0.008%; no homozygotes.

Submission:

GeneDx
Classification: Uncertain significance. Last evaluated: 2025-08-20. Review status: criteria provided, single submitter. Criteria: GeneDx Variant Classification Process June 2021. Collection method: clinical testing. Allele origin: germline. Affected: yes.
Comment: In silico analysis suggests that this missense variant does not alter protein structure/function; Has not been previously published as pathogenic or benign to our knowledge